The following is an entry in ClinVar:

NM_006348.5(COG5):c.1000A>G (p.Ile334Val)

Gene: COG5 (component of oligomeric golgi complex 5; minus strand). Cytogenetic location: 7q22.3.
Variant type: single nucleotide variant.
Coding change: c.1000A>G on transcript NM_006348.5 (MANE Select); coding-DNA position 1000, A replaced by G.
Protein change: p.Ile334Val; replaces isoleucine 334 with valine.
Molecular consequence: missense variant. On other transcripts: intron variant (1).
Genome position (GRCh38, 1-based): chr7:107,362,059, T>C on the plus strand (A>G on the coding strand, the complement: COG5 is on the minus strand). VCF-style: chr7-107362059-T-C. GRCh37 (hg19) VCF-style: chr7-107002504-T-C.
Other names: c.1000A>G, p.Ile334Val (NM_001161520.2, NM_001379511.1, NM_001379512.1 and 3 more transcripts); c.286A>G, p.Ile96Val (NM_001379516.1); c.539-63713A>G (NM_001379515.1); short protein forms I365V, I96V, I334V.
Identifiers: ClinVar variation 358464 (VCV000358464.16), dbSNP rs34087251, ClinGen allele CA4431036.

ClinVar aggregate classification (germline): Benign. Review status: criteria provided, multiple submitters, no conflicts (2 of 4 stars). 5 submissions from 5 submitters: Benign (4). 1 of the submissions does not count toward it. Last evaluated 2026-02-03.

Conditions:
COG5-related disorder. Also called: COG5-related condition.
COG5-congenital disorder of glycosylation. Also called: CONGENITAL DISORDER OF GLYCOSYLATION, TYPE IIi; CDG IIi; COG5-CDG. Identifiers: Orphanet 263487, MedGen C3150876, MONDO:0013325, OMIM 613612.

Allele frequency attached by ClinVar (database versions not stated): 1000 Genomes Project 0.03754; 1000 Genomes Project 30x 0.03810; gnomAD exomes 0.04346 and 0.05179; ExAC 0.05739; gnomAD 0.05765 and 0.06004; TOPMed 0.05774; ESP Exome Variant Server 0.06370.
gnomAD v4.1: 83,978 of 1,605,418 alleles (5.2%); highest among the groups gnomAD compares: African/African-American, 7.6%; 2,358 homozygotes.

Submissions (5):

Labcorp Genetics (formerly Invitae), Labcorp
Classification: Benign for COG5-congenital disorder of glycosylation. Last evaluated: 2026-02-03. Review status: criteria provided, single submitter. Criteria: Invitae Variant Classification Sherloc (09022015). Collection method: clinical testing. Allele origin: germline.

Illumina Laboratory Services, Illumina
Classification: Benign for COG5-congenital disorder of glycosylation. Last evaluated: 2018-01-12. Review status: criteria provided, single submitter. Criteria: ICSL Variant Classification Criteria 13 December 2019. Collection method: clinical testing. Allele origin: germline.
Comment: This variant was observed in the ICSL laboratory as part of a predisposition screen in an ostensibly healthy population. It had not been previously curated by ICSL or reported in the Human Gene Mutation Database (HGMD: prior to June 1st, 2018), and was therefore a candidate for classification through an automated scoring system. Utilizing variant allele frequency, disease prevalence and penetrance estimates, and inheritance mode, an automated score was calculated to assess if this variant is too frequent to cause the disease. Based on the score and internal cut-off values, a variant classified as benign is not then subjected to further curation. The score for this variant resulted in a classification of benign for this disease.

GeneDx
Classification: Benign. Last evaluated: 2016-01-24. Review status: criteria provided, single submitter. Criteria: GeneDx Variant Classification (06012015). Collection method: clinical testing. Allele origin: germline. Affected: yes.
Comment: This variant is considered likely benign or benign based on one or more of the following criteria: it is a conservative change, it occurs at a poorly conserved position in the protein, it is predicted to be benign by multiple in silico algorithms, and/or has population frequency not consistent with disease.

Breakthrough Genomics
Classification: Benign. Review status: criteria provided, single submitter. Criteria: ACMG Guidelines, 2015. Collection method: not provided. Allele origin: germline. Inheritance: Autosomal recessive inheritance. Affected: yes.

PreventionGenetics, part of Exact Sciences
Classification: Benign for COG5-related condition. Last evaluated: 2019-08-01. Review status: no assertion criteria provided. Collection method: clinical testing. Allele origin: germline. Not counted in ClinVar's aggregate classification.
Comment: This variant is classified as benign based on ACMG/AMP sequence variant interpretation guidelines (Richards et al. 2015 PMID: 25741868, with internal and published modifications).